The following is an entry in ClinVar:

ClinVar aggregate classification (germline): Uncertain significance. Review status: criteria provided, multiple submitters, no conflicts (2 of 4 stars). 2 submissions from 2 submitters: Uncertain significance (2). Last evaluated 2025-03-01.

Conditions:
Inborn genetic diseases. Identifiers: MedGen C0950123, MeSH D030342.
Hepatic veno-occlusive disease-immunodeficiency syndrome. Also called: Hepatic Veno-Occlusive Disease with Immunodeficiency. Identifiers: Orphanet 79124, MedGen C1856128, MONDO:0009338, OMIM 235550. Disease mechanism: loss of function.

Allele frequency attached by ClinVar (database versions not stated): gnomAD 0.00003; gnomAD exomes 0.00009.
gnomAD v4.1: 134 of 1,605,674 alleles (0.0083%); highest among the groups gnomAD compares: Non-Finnish European, 0.011%; 1 homozygote.

Submissions (2):

Ambry Genetics
Classification: Uncertain significance for Inborn genetic diseases. Last evaluated: 2025-03-01. Review status: criteria provided, single submitter. Criteria: Ambry Variant Classification Scheme 2023. Collection method: clinical testing. Allele origin: germline.

Labcorp Genetics (formerly Invitae), Labcorp
Classification: Uncertain significance for Hepatic veno-occlusive disease-immunodeficiency syndrome. Last evaluated: 2023-11-12. Review status: criteria provided, single submitter. Criteria: Invitae Variant Classification Sherloc (09022015). Collection method: clinical testing. Allele origin: germline.
Comment: This sequence change replaces lysine, which is basic and polar, with asparagine, which is neutral and polar, at codon 451 of the SP110 protein (p.Lys451Asn). The frequency data for this variant in the population databases is considered unreliable, as metrics indicate poor data quality at this position in the gnomAD database. This variant has not been reported in the literature in individuals affected with SP110-related conditions. ClinVar contains an entry for this variant (Variation ID: 2180832). Algorithms developed to predict the effect of missense changes on protein structure and function output the following: SIFT: "Not Available"; PolyPhen-2: "Benign"; Align-GVGD: "Not Available". The asparagine amino acid residue is found in multiple mammalian species, which suggests that this missense change does not adversely affect protein function. In summary, the available evidence is currently insufficient to determine the role of this variant in disease. Therefore, it has been classified as a Variant of Uncertain Significance.

NM_080424.4(SP110):c.1353A>T (p.Lys451Asn)

Gene: SP110 (SP110 nuclear body protein; minus strand). Cytogenetic location: 2q37.1.
Variant type: single nucleotide variant.
Coding change: c.1353A>T on transcript NM_080424.4 (MANE Select); coding-DNA position 1353, A replaced by T.
Protein change: p.Lys451Asn; replaces lysine 451 with asparagine.
Molecular consequence: missense variant.
Genome position (GRCh38, 1-based): chr2:230,178,251, T>A on the plus strand (A>T on the coding strand, the complement: SP110 is on the minus strand). VCF-style: chr2-230178251-T-A. GRCh37 (hg19) VCF-style: chr2-231042967-T-A.
Other names: c.1371A>T, p.Lys457Asn (NM_001378445.1, NM_001378446.1, NM_001378444.1 and 2 more transcripts); c.1203A>T, p.Lys401Asn (NM_001378447.1); c.1353A>T, p.Lys451Asn (NM_004509.5, NM_004510.4, NM_001378443.1); c.1353A>T (NM_004509.3); short protein forms K451N, K401N, K457N.
Identifiers: ClinVar variation 2180832 (VCV002180832.4), dbSNP rs199520837, ClinGen allele CA66735898.